The following is an entry in ClinVar:

NM_016156.6(MTMR2):c.469-3T>C

Gene: MTMR2 (myotubularin related protein 2; minus strand). Cytogenetic location: 11q21.
Variant type: single nucleotide variant.
Coding change: c.469-3T>C on transcript NM_016156.6 (MANE Select); 3 bases into the intron before coding-DNA position 469, T replaced by C.
Molecular consequence: intron variant.
Genome position (GRCh38, 1-based): chr11:95,858,635, A>G on the plus strand (T>C on the coding strand, the complement: MTMR2 is on the minus strand). VCF-style: chr11-95858635-A-G. GRCh37 (hg19) VCF-style: chr11-95591799-A-G.
Other names: c.253-3T>C (NM_201281.3, NM_201278.3, NM_001243571.2).
Identifiers: ClinVar variation 1416052 (VCV001416052.6), dbSNP rs191224855, ClinGen allele CA6240316.

ClinVar aggregate classification (germline): Uncertain significance (1 of 4 stars; one submission).

Conditions:
Charcot-Marie-Tooth disease type 4. Also called: Charcot-Marie-Tooth, Type 4; Charcot-Marie-Tooth disease, type IV. Identifiers: Orphanet 64749, MedGen C4082197, MONDO:0018995.

Allele frequency attached by ClinVar (database versions not stated): gnomAD exomes below 0.00001; TOPMed below 0.00001; gnomAD 0.00001; ExAC 0.00002; 1000 Genomes Project 0.00020.

Submission:

Labcorp Genetics (formerly Invitae), Labcorp
Classification: Uncertain significance for Charcot-Marie-Tooth disease type 4. Last evaluated: 2021-11-27. Review status: criteria provided, single submitter. Criteria: Invitae Variant Classification Sherloc (09022015). Collection method: clinical testing. Allele origin: germline.
Comment: Variants that disrupt the consensus splice site are a relatively common cause of aberrant splicing (PMID: 17576681, 9536098). Algorithms developed to predict the effect of sequence changes on RNA splicing suggest that this variant is not likely to affect RNA splicing. This variant has not been reported in the literature in individuals affected with MTMR2-related conditions. This variant is present in population databases (rs191224855, gnomAD 0.007%). This sequence change falls in intron 5 of the MTMR2 gene. It does not directly change the encoded amino acid sequence of the MTMR2 protein. It affects a nucleotide within the consensus splice site. In summary, the available evidence is currently insufficient to determine the role of this variant in disease. Therefore, it has been classified as a Variant of Uncertain Significance.

Literature cited by the submitters: PubMed 17576681; PubMed 9536098.